The following is an entry in ClinVar:

NM_000548.5(TSC2):c.2911G>A (p.Ala971Thr)

Gene: TSC2 (TSC complex subunit 2; plus strand). Cytogenetic location: 16p13.3.
Variant type: single nucleotide variant.
Coding change: c.2911G>A on transcript NM_000548.5 (MANE Select); coding-DNA position 2911, G replaced by A.
Protein change: p.Ala971Thr; replaces alanine 971 with threonine.
Molecular consequence: missense variant. On other transcripts: intron variant (31).
Genome position (GRCh38, 1-based): chr16:2,077,671, G>A. VCF-style: chr16-2077671-G-A. GRCh37 (hg19) VCF-style: chr16-2127672-G-A.
Other names: c.2911G>A, p.Ala971Thr (NM_001114382.3, NM_001406663.1, NM_001406664.1); c.2800G>A, p.Ala934Thr (NM_001406670.1); c.2764G>A, p.Ala922Thr (NM_001406675.1, NM_001406676.1); c.2311G>A, p.Ala771Thr (NM_001406680.1, NM_001406682.1, NM_001406683.1 and 1 more transcripts); c.1567G>A, p.Ala523Thr (NM_001406689.1); c.1493+1086G>A (NM_001406693.1, NM_001406690.1, NM_001406692.1 and 5 more transcripts); c.2927+1086G>A (NM_001406667.1, NM_001406668.1); c.2237+1086G>A (NM_001406687.1, NM_001406685.1, NM_001318831.2 and 2 more transcripts); and 8 more; short protein forms A523T, A771T, A922T, A934T, A971T.
Identifiers: ClinVar variation 5031357 (VCV005031357.1).

ClinVar aggregate classification (germline): Uncertain significance (1 of 4 stars; one submission).

Conditions:
Hereditary cancer-predisposing syndrome. Also called: Neoplastic Syndromes, Hereditary; Tumor predisposition; Hereditary neoplastic syndrome; Hereditary Cancer Syndrome. Identifiers: Orphanet 140162, MedGen C0027672, MeSH D009386, MONDO:0015356.

Submission:

Ambry Genetics
Classification: Uncertain significance for Hereditary cancer-predisposing syndrome. Last evaluated: 2026-07-08. Review status: criteria provided, single submitter. Criteria: Ambry Variant Classification Scheme 2023. Collection method: clinical testing. Allele origin: germline.
Comment: The p.A971T variant (also known as c.2911G>A), located in coding exon 25 of the TSC2 gene, results from a G to A substitution at nucleotide position 2911. The alanine at codon 971 is replaced by threonine, an amino acid with similar properties. This amino acid position is conserved. In addition, the in silico prediction for this alteration is inconclusive. Based on the available evidence, the clinical significance of this variant remains unclear.